The following is an entry in ClinVar:

ClinVar aggregate classification (germline): Pathogenic (1 of 4 stars; one submission).

Submission:

Labcorp Genetics (formerly Invitae), Labcorp
Classification: Pathogenic. Last evaluated: 2023-12-13. Review status: criteria provided, single submitter. Criteria: Invitae Variant Classification Sherloc (09022015). Collection method: clinical testing. Allele origin: germline.
Comment: This sequence change creates a premature translational stop signal (p.Asn688Ilefs*8) in the ABCA4 gene. It is expected to result in an absent or disrupted protein product. Loss-of-function variants in ABCA4 are known to be pathogenic (PMID: 10958761, 24938718, 25312043, 26780318). This variant is not present in population databases (gnomAD no frequency). This premature translational stop signal has been observed in individual(s) with Stargardt disease (PMID: 33129279). For these reasons, this variant has been classified as Pathogenic.

Literature cited by the submitters: PubMed 10958761; PubMed 24938718; PubMed 25312043; PubMed 26780318; PubMed 33129279.

NM_000350.3(ABCA4):c.2063del (p.Asn688fs)

Gene: ABCA4 (ATP binding cassette subfamily A member 4; minus strand). Cytogenetic location: 1p22.1.
Variant type: Deletion.
Coding change: c.2063del on transcript NM_000350.3 (MANE Select); coding-DNA position 2063, one base deleted (A; older notation c.2063delA).
Protein change: p.Asn688fs; shifts the reading frame from asparagine 688.
Molecular consequence: frameshift variant.
Genome position (GRCh38, 1-based): chr1:94,060,634, T deleted on the plus strand (A on the coding strand, the reverse complement: ABCA4 is on the minus strand); the first of 5 consecutive T bases (chr1:94,060,634-94,060,638); deleting any one gives the same sequence. VCF-style (leftmost placement, unchanged base first): chr1-94060633-AT-A. GRCh37 (hg19) VCF-style: chr1-94526189-AT-A.
Other names: c.2059delA, p.Asn688Ilefs (NM_001425324.1); short protein forms N688fs.
Identifiers: ClinVar variation 2702933 (VCV002702933.3), dbSNP rs2523832712, ClinGen allele CA2697552523.